The following is an entry in ClinVar:

NM_006662.3(SRCAP):c.1921C>T (p.Leu641Phe)

Gene: SRCAP (Snf2 related CREBBP activator protein; plus strand). Cytogenetic location: 16p11.2.
Variant type: single nucleotide variant.
Coding change: c.1921C>T on transcript NM_006662.3 (MANE Select); coding-DNA position 1921, C replaced by T.
Protein change: p.Leu641Phe; replaces leucine 641 with phenylalanine.
Molecular consequence: missense variant.
Genome position (GRCh38, 1-based): chr16:30,712,367, C>T. VCF-style: chr16-30712367-C-T. GRCh37 (hg19) VCF-style: chr16-30723688-C-T.
Other names: short protein forms L641F.
Identifiers: ClinVar variation 3372763 (VCV003372763.1).

ClinVar aggregate classification (germline): Uncertain significance (1 of 4 stars; one submission).

Submission:

GeneDx
Classification: Uncertain significance. Last evaluated: 2024-04-16. Review status: criteria provided, single submitter. Criteria: GeneDx Variant Classification Process June 2021. Collection method: clinical testing. Allele origin: germline. Affected: yes.
Comment: Not observed at significant frequency in large population cohorts (gnomAD); In silico analysis supports that this missense variant has a deleterious effect on protein structure/function; Has not been previously published as pathogenic or benign to our knowledge